The following is an entry in ClinVar:

ClinVar aggregate classification (germline): Uncertain significance. Review status: criteria provided, multiple submitters, no conflicts (2 of 4 stars). 2 submissions from 2 submitters: Uncertain significance (2). Last evaluated 2025-11-05.

Conditions:
Weaver syndrome (WVS). Also called: Weaver Smith syndrome; Overgrowth syndrome with accelerated skeletal maturation, unusual facies, and camptodactyly. Identifiers: Orphanet 3447, MedGen C0265210, MONDO:0010193, OMIM 277590.

Submissions (2):

Clinical Genomics Laboratory, Washington University in St. Louis
Classification: Uncertain significance for Weaver syndrome. Last evaluated: 2025-11-05. Review status: criteria provided, single submitter. Criteria: ACMG Guidelines, 2015. Collection method: clinical testing. Allele origin: germline.
Comment: The EZH2 c.1463A>C (p.Glu488Ala) variant, to our knowledge, has not been reported in the medical literature. This variant is only observed in 1/1,614,174 alleles in the general population (gnomAD v.4.1.0), indicating it is not a common variant. Computational predictors are uncertain as to the impact of this variant on EZH2 function. Due to limited information, and based on ACMG/AMP guidelines for variant interpretation (Richards S et al., PMID: 25741868), the clinical significance of this variant is uncertain at this time.

GeneDx
Classification: Uncertain significance. Last evaluated: 2025-07-20. Review status: criteria provided, single submitter. Criteria: GeneDx Variant Classification Process June 2021. Collection method: clinical testing. Allele origin: germline. Affected: yes.
Comment: Not observed at significant frequency in large population cohorts (gnomAD); In silico analysis supports that this missense variant has a deleterious effect on protein structure/function; Has not been previously published as pathogenic or benign to our knowledge

NM_004456.5(EZH2):c.1463A>C (p.Glu488Ala)

Gene: EZH2 (enhancer of zeste 2 polycomb repressive complex 2 subunit; minus strand). Cytogenetic location: 7q36.1.
Variant type: single nucleotide variant.
Coding change: c.1463A>C on transcript NM_004456.5 (MANE Select); coding-DNA position 1463, A replaced by C.
Protein change: p.Glu488Ala; replaces glutamic acid 488 with alanine.
Molecular consequence: missense variant.
Genome position (GRCh38, 1-based): chr7:148,816,726, T>G on the plus strand (A>C on the coding strand, the complement: EZH2 is on the minus strand). VCF-style: chr7-148816726-T-G. GRCh37 (hg19) VCF-style: chr7-148513818-T-G.
Other names: c.1331A>C, p.Glu444Ala (NM_152998.3); c.1448A>C, p.Glu483Ala (NM_001203247.2); c.1421A>C, p.Glu474Ala (NM_001203248.2, NM_001203249.2); short protein forms E444A, E474A, E483A, E488A.
Identifiers: ClinVar variation 4686930 (VCV004686930.2).